The following is an entry in ClinVar:

ClinVar aggregate classification (germline): Uncertain significance (1 of 4 stars; one submission).

Conditions:
Inborn genetic diseases. Identifiers: MedGen C0950123, MeSH D030342.

Submission:

Ambry Genetics
Classification: Uncertain significance for Inborn genetic diseases. Last evaluated: 2021-03-26. Review status: criteria provided, single submitter. Criteria: Ambry Variant Classification Scheme 2023. Collection method: clinical testing. Allele origin: germline.
Comment: The c.4415C>G (p.P1472R) alteration is located in exon 22 (coding exon 20) of the RERE gene. This alteration results from a C to G substitution at nucleotide position 4415, causing the proline (P) at amino acid position 1472 to be replaced by an arginine (R). The p.P1472R alteration is predicted to be tolerated by in silico analysis. Based on insufficient or conflicting evidence, the clinical significance of this alteration remains unclear.

NM_001042681.2(RERE):c.4415C>G (p.Pro1472Arg)

Gene: RERE (arginine-glutamic acid dipeptide repeats; minus strand). Cytogenetic location: 1p36.23.
Variant type: single nucleotide variant.
Coding change: c.4415C>G on transcript NM_001042681.2 (MANE Select); coding-DNA position 4415, C replaced by G.
Protein change: p.Pro1472Arg; replaces proline 1472 with arginine.
Molecular consequence: missense variant.
Genome position (GRCh38, 1-based): chr1:8,356,171, G>C on the plus strand (C>G on the coding strand, the complement: RERE is on the minus strand). VCF-style: chr1-8356171-G-C. GRCh37 (hg19) VCF-style: chr1-8416231-G-C.
Other names: c.2753C>G, p.Pro918Arg (NM_001042682.2); c.4415C>G, p.Pro1472Arg (NM_012102.4); short protein forms P1472R, P918R.
Identifiers: ClinVar variation 2229672 (VCV002229672.2), dbSNP rs2522680567, ClinGen allele CA338168540.